The following is an entry in ClinVar:

NM_004525.3(LRP2):c.12689G>A (p.Trp4230Ter)

Gene: LRP2 (LDL receptor related protein 2; minus strand). Cytogenetic location: 2q31.1.
Variant type: single nucleotide variant.
Coding change: c.12689G>A on transcript NM_004525.3 (MANE Select); coding-DNA position 12689, G replaced by A.
Protein change: p.Trp4230Ter; replaces tryptophan 4230 with a stop codon.
Molecular consequence: nonsense.
Genome position (GRCh38, 1-based): chr2:169,146,861, C>T on the plus strand (G>A on the coding strand, the complement: LRP2 is on the minus strand). VCF-style: chr2-169146861-C-T. GRCh37 (hg19) VCF-style: chr2-170003371-C-T.
Other names: short protein forms W4230*.
Identifiers: ClinVar variation 1454370 (VCV001454370.6), dbSNP rs2105348555, ClinGen allele CA349130005.

ClinVar aggregate classification (germline): Pathogenic (1 of 4 stars; one submission).

Submission:

Labcorp Genetics (formerly Invitae), Labcorp
Classification: Pathogenic. Last evaluated: 2021-10-27. Review status: criteria provided, single submitter. Criteria: Invitae Variant Classification Sherloc (09022015). Collection method: clinical testing. Allele origin: germline.
Comment: This sequence change creates a premature translational stop signal (p.Trp4230*) in the LRP2 gene. It is expected to result in an absent or disrupted protein product. Loss-of-function variants in LRP2 are known to be pathogenic (PMID: 17632512, 25682901). For these reasons, this variant has been classified as Pathogenic. This variant has not been reported in the literature in individuals affected with LRP2-related conditions. This variant is not present in population databases (gnomAD no frequency).

Literature cited by the submitters: PubMed 17632512; PubMed 25682901.